The following is an entry in ClinVar:

NM_052867.4(NALCN):c.609del (p.Phe203fs)

Gene: NALCN (sodium leak channel, non-selective; minus strand). Cytogenetic location: 13q33.1.
Variant type: Deletion.
Coding change: c.609del on transcript NM_052867.4 (MANE Select); coding-DNA position 609, one base deleted (T; older notation c.609delT).
Protein change: p.Phe203fs; shifts the reading frame from phenylalanine 203.
Molecular consequence: frameshift variant.
Genome position (GRCh38, 1-based): chr13:101,376,735, A deleted on the plus strand (T on the coding strand, the reverse complement: NALCN is on the minus strand); the first of 3 consecutive A bases (chr13:101,376,735-101,376,737); deleting any one gives the same sequence. VCF-style (leftmost placement, unchanged base first): chr13-101376734-TA-T. GRCh37 (hg19) VCF-style: chr13-102029085-TA-T.
Other names: c.609del, p.Phe203fs (NM_001350748.2, NM_001350749.2, NM_001350750.2 and 1 more transcripts); short protein forms F203fs.
Identifiers: ClinVar variation 2018443 (VCV002018443.4), dbSNP rs2548588606, ClinGen allele CA2580087022.

ClinVar aggregate classification (germline): Pathogenic (1 of 4 stars; one submission).

Submission:

Labcorp Genetics (formerly Invitae), Labcorp
Classification: Pathogenic. Last evaluated: 2022-07-20. Review status: criteria provided, single submitter. Criteria: Invitae Variant Classification Sherloc (09022015). Collection method: clinical testing. Allele origin: germline.
Comment: For these reasons, this variant has been classified as Pathogenic. This variant has not been reported in the literature in individuals affected with NALCN-related conditions. This variant is not present in population databases (gnomAD no frequency). This sequence change creates a premature translational stop signal (p.Phe203Leufs*7) in the NALCN gene. It is expected to result in an absent or disrupted protein product. Loss-of-function variants in NALCN are known to be pathogenic (PMID: 23749988, 24075186).

Literature cited by the submitters: PubMed 23749988; PubMed 24075186.